The following is an entry in ClinVar:

NM_000384.3(APOB):c.2958C>T (p.Ser986=)

Gene: APOB (apolipoprotein B; minus strand). Cytogenetic location: 2p24.1.
Variant type: single nucleotide variant.
Coding change: c.2958C>T on transcript NM_000384.3 (MANE Select); coding-DNA position 2958, C replaced by T.
Protein change: p.Ser986=; no amino-acid change (serine 986 retained).
Molecular consequence: synonymous variant.
Genome position (GRCh38, 1-based): chr2:21,019,764, G>A on the plus strand (C>T on the coding strand, the complement: APOB is on the minus strand). VCF-style: chr2-21019764-G-A. GRCh37 (hg19) VCF-style: chr2-21242636-G-A.
Identifiers: ClinVar variation 3027022 (VCV003027022.22), dbSNP rs1274069109, ClinGen allele CA425136825.

ClinVar aggregate classification (germline): Likely benign (1 of 4 stars; one submission).

Submission:

CeGaT Center for Human Genetics Tuebingen
Classification: Likely benign. Last evaluated: 2024-01-01. Review status: criteria provided, single submitter. Criteria: CeGaT Center For Human Genetics Tuebingen Variant Classification Criteria Version 2. Collection method: clinical testing. Allele origin: germline. Affected: yes. Observed: 1 variant allele.
Comment: APOB: PM2:Supporting, BP4, BP7